The following is an entry in ClinVar:

ClinVar aggregate classification (germline): Benign/Likely benign. Review status: criteria provided, multiple submitters, no conflicts (2 of 4 stars). 3 submissions from 3 submitters: Benign (2); Likely benign (1). Last evaluated 2025-06-17.

Submissions (3):

Mayo Clinic Laboratories, Mayo Clinic
Classification: Likely benign. Last evaluated: 2025-06-17. Review status: criteria provided, single submitter. Criteria: ACMG Guidelines, 2015. Collection method: clinical testing. Allele origin: germline. Observed: 15 variant alleles.
Comment: BP4, BP7

Labcorp Genetics (formerly Invitae), Labcorp
Classification: Benign. Last evaluated: 2024-02-12. Review status: criteria provided, single submitter. Criteria: Invitae Variant Classification Sherloc (09022015). Collection method: clinical testing. Allele origin: germline.

Dubai Health Genomic Medicine Center, Dubai Health
Classification: Benign. Last evaluated: 2020-01-02. Review status: criteria provided, single submitter. Criteria: ACMG Guidelines, 2015. Collection method: clinical testing. Allele origin: germline. Affected: yes.

NM_002184.4(IL6ST):c.1841-4del

Gene: IL6ST (interleukin 6 cytokine family signal transducer; minus strand). Cytogenetic location: 5q11.2.
Variant type: Deletion.
Coding change: c.1841-4del on transcript NM_002184.4 (MANE Select); 4 bases into the intron before coding-DNA position 1841, one base deleted (T; older notation c.1841-4delT).
Molecular consequence: intron variant.
Genome position (GRCh38, 1-based): chr5:55,947,593, A deleted on the plus strand (T on the coding strand, the reverse complement: IL6ST is on the minus strand); the first of 25 consecutive A bases (chr5:55,947,593-55,947,617); deleting any one gives the same sequence. VCF-style (leftmost placement, unchanged base first): chr5-55947592-TA-T. GRCh37 (hg19) VCF-style: chr5-55243420-TA-T.
Other names: p.?; c.1631-4del (NM_001364276.2); c.845-4del (NM_001364279.2); c.938-4del (NM_001364278.2); c.974-4del (NM_001364277.2); c.*768-4del (NM_175767.3); c.1658-4del (NM_001190981.2); c.1739-4del (NM_001364275.2).
Identifiers: ClinVar variation 1301827 (VCV001301827.11), dbSNP rs71602925, ClinGen allele CA3271282.
Genomic context (GRCh38, chr5:55,947,592, plus strand): 5'-GTTGTCAATAGGAATGCTAAGCAAACAGGCACGACTATGGCTTCAATTTCTCCTTGAGCT[TA>T]AAAAAAAAAAAAAAAAAAAAAAAAGAGGTGTGATGGGAAATAATGTTGACATATGAACTA-3'